The following is an entry in ClinVar:

NM_000553.6(WRN):c.2922_2968-316del

Gene: WRN (WRN RecQ like helicase; plus strand). Cytogenetic location: 8p12.
Variant type: Deletion.
Coding change: c.2922_2968-316del on transcript NM_000553.6 (MANE Select); coding-DNA position 2922 through 316 bases into the intron before coding-DNA position 2968, 8,654 bases deleted.
Molecular consequence: splice donor variant.
Genome position (GRCh38, 1-based): chr8:31,132,461-31,141,114, 8,654 bases deleted. GRCh37 (hg19): chr8:30,989,977-30,998,630.
Identifiers: ClinVar variation 934775 (VCV000934775.1), ClinGen allele CA1139660437.

ClinVar aggregate classification (germline): Likely pathogenic (1 of 4 stars; one submission).

Conditions:
Werner syndrome (WRN). Identifiers: Orphanet 902, MedGen C0043119, MONDO:0010196, OMIM 277700.

Submission:

Labcorp Genetics (formerly Invitae), Labcorp
Classification: Likely pathogenic for Werner syndrome. Last evaluated: 2019-10-15. Review status: criteria provided, single submitter. Criteria: Invitae Variant Classification Sherloc (09022015). Collection method: clinical testing. Allele origin: germline.
Comment: This variant results in the deletion of part of exon 24 (c.2921_2968-317del) of the WRN gene. It is expected to disrupt RNA splicing and likely results in an absent or disrupted protein product. This variant is not present in population databases (ExAC no frequency). This variant has not been reported in the literature in individuals with WRN-related conditions. Loss-of-function variants in WRN are known to be pathogenic (PMID: 16673358). In summary, the currently available evidence indicates that the variant is pathogenic, but additional data are needed to prove that conclusively. Therefore, this variant has been classified as Likely Pathogenic.